The following is an entry in ClinVar:

NM_018451.5(CPAP):c.3243_3246del (p.Ser1081fs)

Gene: CPAP (centrosome assembly and centriole elongation protein; minus strand). Cytogenetic location: 13q12.12.
Variant type: Deletion.
Coding change: c.3243_3246del on transcript NM_018451.5 (MANE Select); coding-DNA positions 3243 to 3246, 4 bases deleted (TCAG; older notation c.3243_3246delTCAG).
Protein change: p.Ser1081fs; shifts the reading frame from serine 1081.
Molecular consequence: frameshift variant. On other transcripts: non-coding transcript variant (1).
Genome position (GRCh38, 1-based): chr13:24,889,371-24,889,374, CTGA deleted on the plus strand (TCAG on the coding strand, the reverse complement: CPAP is on the minus strand); deleting any 4 consecutive bases within chr13:24,889,371-24,889,377 gives the same sequence; the c. name uses the placement nearest the transcript's 3' end. VCF-style (leftmost placement, unchanged base first): chr13-24889370-TCTGA-T. GRCh37 (hg19) VCF-style: chr13-25463508-TCTGA-T.
Other names: short protein forms S1081fs.
Identifiers: ClinVar variation 1819 (VCV000001819.48), dbSNP rs199422203, ClinGen allele CA339916.

ClinVar aggregate classification (germline): Pathogenic/Likely pathogenic. Review status: criteria provided, multiple submitters, no conflicts (2 of 4 stars). 5 submissions from 5 submitters: Pathogenic (2); Likely pathogenic (1). 2 of the submissions do not count toward it. Last evaluated 2023-11-06.

Conditions:
Microcephaly 6, primary, autosomal recessive. Identifiers: Orphanet 2512, MedGen C1842109, MONDO:0012029, OMIM 608393.
Microcephaly. Also called: Microcephaly (disease). Identifiers: MedGen C4551563, MONDO:0001149, HP:0000252.
Lissencephaly. Also called: Lissencephaly spectrum disorders. Identifiers: Orphanet 48471, MedGen C0266463, MeSH D054082, MONDO:0018838, HP:0001339.

Submissions (5):

Labcorp Genetics (formerly Invitae), Labcorp
Classification: Pathogenic. Last evaluated: 2023-11-06. Review status: criteria provided, single submitter. Criteria: Invitae Variant Classification Sherloc (09022015). Collection method: clinical testing. Allele origin: germline.
Comment: This sequence change creates a premature translational stop signal (p.Ser1081Argfs*8) in the CENPJ gene. It is expected to result in an absent or disrupted protein product. Loss-of-function variants in CENPJ are known to be pathogenic (PMID: 15793586, 16900296, 20522431). This variant is present in population databases (rs199422203, gnomAD 0.01%). This premature translational stop signal has been observed in individual(s) with CENPJ-related conditions (PMID: 34958143, 35229910). ClinVar contains an entry for this variant (Variation ID: 1819). Algorithms developed to predict the effect of sequence changes on RNA splicing suggest that this variant may create or strengthen a splice site. For these reasons, this variant has been classified as Pathogenic.

Genetics Institute, Tel Aviv Sourasky Medical Center
Classification: Likely pathogenic for Microcephaly; Lissencephaly. Last evaluated: 2021-05-12. Review status: criteria provided, single submitter. Criteria: ACMG Guidelines, 2015. Collection method: clinical testing. Allele origin: inherited. Inheritance: Autosomal recessive inheritance.

CeGaT Center for Human Genetics Tuebingen
Classification: Pathogenic. Last evaluated: 2019-02-01. Review status: criteria provided, single submitter. Criteria: CeGaT Center For Human Genetics Tuebingen Variant Classification Criteria Version 2. Collection method: clinical testing. Allele origin: germline. Affected: yes. Observed: 1 variant allele.

OMIM
Classification: Pathogenic for MICROCEPHALY 6, PRIMARY, AUTOSOMAL RECESSIVE. Last evaluated: 2006-01-01. Review status: no assertion criteria provided. Collection method: literature only. Allele origin: germline. Not counted in ClinVar's aggregate classification.

GeneReviews
No classification provided. Condition: Microcephaly 6, primary, autosomal recessive. Review status: no classification provided. Collection method: literature only. Allele origin: unknown. Not counted in ClinVar's aggregate classification.

Literature cited by the submitters: PubMed 15793586 (cited by Labcorp Genetics (formerly Invitae), Labcorp); PubMed 16900296 (cited by Labcorp Genetics (formerly Invitae), Labcorp and OMIM); PubMed 20522431 (cited by Labcorp Genetics (formerly Invitae), Labcorp); PubMed 34958143 (cited by Labcorp Genetics (formerly Invitae), Labcorp); PubMed 35229910 (cited by Labcorp Genetics (formerly Invitae), Labcorp); PubMed 20301772 (cited by GeneReviews); NCBI Bookshelf NBK9587 (cited by GeneReviews).